The following is an entry in ClinVar:

ClinVar aggregate classification (germline): Pathogenic. Review status: criteria provided, multiple submitters, no conflicts (2 of 4 stars). 2 submissions from 2 submitters: Pathogenic (2). Last evaluated 2026-04-30.

Conditions:
Osteogenesis imperfecta type I (OI1). Also called: Lobstein disease; Classic Non-deforming Osteogenesis Imperfecta with Blue Sclerae; OI, TYPE I; OSTEOGENESIS IMPERFECTA TARDA; OSTEOGENESIS IMPERFECTA WITH BLUE SCLERAE; Osteogenesis imperfecta type 1. Identifiers: Orphanet 216796, Orphanet 666, MedGen C0023931, MONDO:0008146, OMIM 166200. Disease mechanism: loss of function.

Allele frequency attached by ClinVar (database versions not stated): gnomAD exomes below 0.00001.
gnomAD v4.1: 1 of 1,614,224 alleles (0.000062%); highest among the groups gnomAD compares: Non-Finnish European, 0.000085%; no homozygotes.

Submissions (2):

MVZ Martinsried, Medicover Genetics
Classification: Pathogenic for Osteogenesis imperfecta type I. Last evaluated: 2026-04-30. Review status: criteria provided, single submitter. Criteria: ACGS Guidelines, 2020. Collection method: clinical testing. Allele origin: unknown. Affected: yes. Observed: 1 heterozygote.

Labcorp Genetics (formerly Invitae), Labcorp
Classification: Pathogenic for Osteogenesis imperfecta type I. Last evaluated: 2023-04-13. Review status: criteria provided, single submitter. Criteria: Invitae Variant Classification Sherloc (09022015). Collection method: clinical testing. Allele origin: germline.
Comment: Disruption of this splice site has been observed in individual(s) with osteogenesis imperfecta (PMID: 25963598, 33939306). ClinVar contains an entry for this variant (Variation ID: 2138073). Algorithms developed to predict the effect of sequence changes on RNA splicing suggest that this variant may disrupt the consensus splice site. For these reasons, this variant has been classified as Pathogenic. This sequence change affects an acceptor splice site in intron 27 of the COL1A1 gene. It is expected to disrupt RNA splicing. Variants that disrupt the donor or acceptor splice site typically lead to a loss of protein function (PMID: 16199547), and loss-of-function variants in COL1A1 are known to be pathogenic (PMID: 7942841, 9295084, 9443882). This variant is not present in population databases (gnomAD no frequency).

Literature cited by the submitters: PubMed 25963598 (cited by Labcorp Genetics (formerly Invitae), Labcorp); PubMed 33939306 (cited by Labcorp Genetics (formerly Invitae), Labcorp); PubMed 16199547 (cited by Labcorp Genetics (formerly Invitae), Labcorp); PubMed 7942841 (cited by Labcorp Genetics (formerly Invitae), Labcorp); PubMed 9295084 (cited by Labcorp Genetics (formerly Invitae), Labcorp); PubMed 9443882 (cited by Labcorp Genetics (formerly Invitae), Labcorp).

NM_000088.4(COL1A1):c.1876-1G>A

Gene: COL1A1 (collagen type I alpha 1 chain; minus strand). Cytogenetic location: 17q21.33.
Variant type: single nucleotide variant.
Coding change: c.1876-1G>A on transcript NM_000088.4 (MANE Select); the canonical splice acceptor site of the intron before coding-DNA position 1876, G replaced by A.
Molecular consequence: splice acceptor variant.
Genome position (GRCh38, 1-based): chr17:50,192,694, C>T on the plus strand (G>A on the coding strand, the complement: COL1A1 is on the minus strand). VCF-style: chr17-50192694-C-T. GRCh37 (hg19) VCF-style: chr17-48270055-C-T.
Identifiers: ClinVar variation 2138073 (VCV002138073.5), dbSNP rs72651623, ClinGen allele CA400213978.
Genomic context (GRCh38, chr17:50,192,694, plus strand): 5'-CCTCACCTGGAATCCGGGGGAGCCAGCAGGGCCTTGTTCACCTCTCTCGCCAGCGGGACC[C>T]TGCACAGAGAGAACACTACAGTCACGGGGAGGCCGAGGAGACGAGGGGCTGAGGGTGTCT-3'